The following is an entry in ClinVar:

NM_018043.7(ANO1):c.955C>T (p.Leu319=)

Gene: ANO1 (anoctamin 1; plus strand). Cytogenetic location: 11q13.3.
Variant type: single nucleotide variant.
Coding change: c.955C>T on transcript NM_018043.7 (MANE Select); coding-DNA position 955, C replaced by T.
Protein change: p.Leu319=; no amino-acid change (leucine 319 retained).
Molecular consequence: synonymous variant. On other transcripts: non-coding transcript variant (1).
Genome position (GRCh38, 1-based): chr11:70,124,407, C>T. VCF-style: chr11-70124407-C-T. GRCh37 (hg19) VCF-style: chr11-69970513-C-T.
Other names: c.1144C>T, p.Leu382= (NM_001378092.1); c.955C>T, p.Leu319= (NM_001378093.1, NM_001378094.2, NM_001378096.2); c.1021C>T, p.Leu341= (NM_001378095.2); c.856C>T, p.Leu286= (NM_001378097.2).
Identifiers: ClinVar variation 3778333 (VCV003778333.7).

ClinVar aggregate classification (germline): Likely benign (1 of 4 stars; one submission).

gnomAD v4.1: 6 of 1,613,770 alleles (0.00037%); highest among the groups gnomAD compares: Non-Finnish European, 0.00051%; no homozygotes.

Submission:

CeGaT Center for Human Genetics Tuebingen
Classification: Likely benign. Last evaluated: 2025-02-01. Review status: criteria provided, single submitter. Criteria: CeGaT Center For Human Genetics Tuebingen Variant Classification Criteria Version 2. Collection method: clinical testing. Allele origin: germline. Affected: yes. Observed: 1 variant allele.
Comment: ANO1: BP4, BP7